The following is an entry in ClinVar:

ClinVar aggregate classification (germline): Uncertain significance (1 of 4 stars; one submission).

Conditions:
Charcot-Marie-Tooth disease type 4. Also called: Charcot-Marie-Tooth disease, type IV; Charcot-Marie-Tooth, Type 4. Identifiers: Orphanet 64749, MedGen C4082197, MONDO:0018995.

gnomAD v4.1: 1 of 1,606,650 alleles (0.000062%); highest among the groups gnomAD compares: South Asian, 0.0011%; no homozygotes.

Submission:

Labcorp Genetics (formerly Invitae), Labcorp
Classification: Uncertain significance for Charcot-Marie-Tooth disease type 4. Last evaluated: 2018-10-18. Review status: criteria provided, single submitter. Criteria: Invitae Variant Classification Sherloc (09022015). Collection method: clinical testing. Allele origin: germline.
Comment: This variant is not present in population databases (ExAC no frequency) and has not been reported in the literature in individuals with a PRX-related disease. This sequence change replaces alanine with threonine at codon 1268 of the PRX protein (p.Ala1268Thr). The alanine residue is moderately conserved and there is a small physicochemical difference between alanine and threonine. Algorithms developed to predict the effect of missense changes on protein structure and function (SIFT, PolyPhen-2, Align-GVGD) all suggest that this variant is likely to be tolerated, but these predictions have not been confirmed by published functional studies. In summary, this variant is a novel missense change that is not predicted to affect protein function. There is no indication that it causes disease, but the available evidence is currently insufficient to prove that conclusively. Therefore, it has been classified as a Variant of Uncertain Significance.

NM_181882.3(PRX):c.3802G>A (p.Ala1268Thr)

Gene: PRX (periaxin; minus strand). Cytogenetic location: 19q13.2.
Variant type: single nucleotide variant.
Coding change: c.3802G>A on transcript NM_181882.3 (MANE Select); coding-DNA position 3802, G replaced by A.
Protein change: p.Ala1268Thr; replaces alanine 1268 with threonine.
Molecular consequence: missense variant. On other transcripts: 3 prime UTR variant (1).
Genome position (GRCh38, 1-based): chr19:40,394,550, C>T on the plus strand (G>A on the coding strand, the complement: PRX is on the minus strand). VCF-style: chr19-40394550-C-T. GRCh37 (hg19) VCF-style: chr19-40900457-C-T.
Other names: c.*4007G>A (NM_020956.2); short protein forms A1268T.
Identifiers: ClinVar variation 476967 (VCV000476967.9), dbSNP rs146061247, ClinGen allele CA405892095.